The following is an entry in ClinVar:

ClinVar aggregate classification (germline): Uncertain significance. Review status: criteria provided, multiple submitters, no conflicts (2 of 4 stars). 9 submissions from 8 submitters: Uncertain significance (8). 1 of the submissions does not count toward it. Last evaluated 2026-06-01.

Conditions:
Pituitary adenoma 5, multiple types. Identifiers: MedGen C4539685, MONDO:0054601, OMIM 617540.
Usher syndrome type 1 (USH1). Also called: RETINITIS PIGMENTOSA AND CONGENITAL DEAFNESS. Identifiers: Orphanet 231169, Orphanet 886, MedGen C1568247, MONDO:0010168, OMIM 276900.
Autosomal recessive nonsyndromic hearing loss 12. Also called: DEAFNESS, AUTOSOMAL RECESSIVE 12. Identifiers: Orphanet 90636, MedGen C1832394, MONDO:0011067, OMIM 601386.
CDH23-related disorder. Also called: CDH23-related disorders; CDH23-related condition.
Usher syndrome type 1D (USH1D). Also called: USHER SYNDROME, TYPE ID. Identifiers: Orphanet 231169, Orphanet 886, MedGen C1832845, MONDO:0010984, OMIM 601067.

Allele frequency attached by ClinVar (database versions not stated): gnomAD exomes 0.00007; gnomAD 0.00008 and 0.00009; TOPMed 0.00008; ExAC 0.00019.
gnomAD v4.1: 177 of 1,602,482 alleles (0.011%); highest among the groups gnomAD compares: Middle Eastern, 0.016%; no homozygotes.

Submissions (9):

CeGaT Center for Human Genetics Tuebingen
Classification: Uncertain significance. Last evaluated: 2026-06-01. Review status: criteria provided, single submitter. Criteria: CeGaT Center For Human Genetics Tuebingen Variant Classification Criteria Version 2. Collection method: clinical testing. Allele origin: germline. Affected: yes. Observed: 1 variant allele.
Comment: CDH23: PM2

PreventionGenetics, part of Exact Sciences
Classification: Uncertain significance for CDH23-related condition. Last evaluated: 2026-05-18. Review status: criteria provided, single submitter. Criteria: ACMG Guidelines, 2015. Collection method: clinical testing. Allele origin: germline.
Comment: The CDH23 c.8644T>C variant is predicted to result in the amino acid substitution p.Phe2882Leu. To our knowledge, this variant has not been reported in the literature. This variant is reported in 0.015% of alleles in individuals of European (Non-Finnish) descent in gnomAD. At this time, the clinical significance of this variant is uncertain due to the absence of conclusive functional and genetic evidence.

GeneDx
Classification: Uncertain significance. Last evaluated: 2026-03-25. Review status: criteria provided, single submitter. Criteria: GeneDx Variant Classification Process June 2021. Collection method: clinical testing. Allele origin: germline.
Comment: In silico analysis suggests that this missense variant does not alter protein structure/function; Has not been previously published as pathogenic or benign to our knowledge

Blueprint Genetics
Classification: Uncertain significance. Last evaluated: 2024-07-15. Review status: criteria provided, single submitter. Criteria: ACMG Guidelines, 2015. Collection method: clinical testing. Allele origin: germline.

Labcorp Genetics (formerly Invitae), Labcorp
Classification: Uncertain significance. Last evaluated: 2022-08-06. Review status: criteria provided, single submitter. Criteria: Invitae Variant Classification Sherloc (09022015). Collection method: clinical testing. Allele origin: germline.
Comment: This sequence change replaces phenylalanine, which is neutral and non-polar, with leucine, which is neutral and non-polar, at codon 2882 of the CDH23 protein (p.Phe2882Leu). This variant is present in population databases (rs761210350, gnomAD 0.01%). This variant has not been reported in the literature in individuals affected with CDH23-related conditions. ClinVar contains an entry for this variant (Variation ID: 300462). Algorithms developed to predict the effect of missense changes on protein structure and function are either unavailable or do not agree on the potential impact of this missense change (SIFT: "Tolerated"; PolyPhen-2: "Not Available"; Align-GVGD: "Class C0"). In summary, the available evidence is currently insufficient to determine the role of this variant in disease. Therefore, it has been classified as a Variant of Uncertain Significance.

Centre for Mendelian Genomics, University Medical Centre Ljubljana
Classification: Uncertain significance for Pituitary adenoma 5, multiple types. Last evaluated: 2019-03-24. Review status: criteria provided, single submitter. Criteria: ACMG Guidelines, 2015. Collection method: clinical testing. Allele origin: unknown. Affected: yes.
Comment: This variant was classified as: Uncertain significance. The following ACMG criteria were applied in classifying this variant: PM2.

Illumina Laboratory Services, Illumina
Classification: Uncertain significance for Usher syndrome type 1D. Last evaluated: 2018-01-13. Review status: criteria provided, single submitter. Criteria: ICSL Variant Classification Criteria 13 December 2019. Collection method: clinical testing. Allele origin: germline.

Illumina Laboratory Services, Illumina
Classification: Uncertain significance for Autosomal recessive nonsyndromic hearing loss 12. Last evaluated: 2018-01-13. Review status: criteria provided, single submitter. Criteria: ICSL Variant Classification Criteria 13 December 2019. Collection method: clinical testing. Allele origin: germline.

Natera, Inc.
Classification: Uncertain significance for Usher syndrome type 1. Last evaluated: 2019-11-11. Review status: no assertion criteria provided. Collection method: clinical testing. Allele origin: germline. Not counted in ClinVar's aggregate classification.

NM_022124.6(CDH23):c.8644T>C (p.Phe2882Leu)

Gene: CDH23 (cadherin related 23; plus strand). Cytogenetic location: 10q22.1.
Variant type: single nucleotide variant.
Coding change: c.8644T>C on transcript NM_022124.6 (MANE Select); coding-DNA position 8644, T replaced by C.
Protein change: p.Phe2882Leu; replaces phenylalanine 2882 with leucine.
Molecular consequence: missense variant.
Genome position (GRCh38, 1-based): chr10:71,807,929, T>C. VCF-style: chr10-71807929-T-C. GRCh37 (hg19) VCF-style: chr10-73567686-T-C.
Other names: c.1924T>C, p.Phe642Leu (NM_001171933.1, NM_001171934.1); short protein forms F2882L, F642L.
Identifiers: ClinVar variation 300462 (VCV000300462.19), dbSNP rs761210350, ClinGen allele CA5546704.